The following is an entry in ClinVar:

NM_004304.5(ALK):c.3520T>G (p.Phe1174Val)

Gene: ALK (ALK receptor tyrosine kinase; minus strand). Cytogenetic location: 2p23.2.
Variant type: single nucleotide variant.
Coding change: c.3520T>G on transcript NM_004304.5 (MANE Select); coding-DNA position 3520, T replaced by G.
Protein change: p.Phe1174Val; replaces phenylalanine 1174 with valine.
Molecular consequence: missense variant.
Genome position (GRCh38, 1-based): chr2:29,220,831, A>C on the plus strand (T>G on the coding strand, the complement: ALK is on the minus strand). VCF-style: chr2-29220831-A-C. GRCh37 (hg19) VCF-style: chr2-29443697-A-C.
Other names: c.316T>G, p.Phe106Val (NM_001353765.2); short protein forms F1174V, F106V.
Identifiers: ClinVar variation 65670 (VCV000065670.4), dbSNP rs281864719, ClinGen allele CA345001.

ClinVar aggregate classification (germline): Pathogenic. Review status: no assertion criteria provided (0 of 4 stars). 2 submissions from 2 submitters: Pathogenic (1). 1 of the submissions does not count toward it. Last evaluated 2015-10-07.

Conditions:
Neuroblastoma, susceptibility to, 3. Also called: ALK-Related Neuroblastic Tumor Susceptibility. Identifiers: Orphanet 635, MedGen C2751681, MONDO:0013083, OMIM 613014.

Submissions (2):

Genomic Diagnostic Laboratory, Division of Genomic Diagnostics, Children's Hospital of Philadelphia
Classification: Pathogenic for Neuroblastoma, susceptibility to, 3. Last evaluated: 2015-10-07. Review status: no assertion criteria provided. Collection method: clinical testing. Allele origin: somatic. Affected: yes. Observed: 2 variant alleles.
Comment: Clinical Testing

GeneReviews
No classification provided. Condition: Neuroblastoma, susceptibility to, 3. Review status: no classification provided. Collection method: literature only. Allele origin: germline. Not counted in ClinVar's aggregate classification.

Literature cited by the submitters: NCBI Bookshelf NBK24599 (cited by GeneReviews); PubMed 21972109 (cited by GeneReviews).